The following is an entry in ClinVar:

ClinVar aggregate classification (germline): Uncertain significance (1 of 4 stars; one submission).

Submission:

Ambry Genetics
Classification: Uncertain significance. Last evaluated: 2024-01-17. Review status: criteria provided, single submitter. Criteria: Ambry Variant Classification Scheme 2023. Collection method: clinical testing. Allele origin: germline.
Comment: The p.V1644A variant (also known as c.4931T>C), located in coding exon 43 of the KIF1B gene, results from a T to C substitution at nucleotide position 4931. The valine at codon 1644 is replaced by alanine, an amino acid with similar properties. This amino acid position is conserved. In addition, this alteration is predicted to be deleterious by in silico analysis. Based on the available evidence, the clinical significance of this alteration remains unclear.

NM_001365951.3(KIF1B):c.5069T>C (p.Val1690Ala)

Gene: KIF1B (kinesin family member 1B; plus strand). Cytogenetic location: 1p36.22.
Variant type: single nucleotide variant.
Coding change: c.5069T>C on transcript NM_001365951.3 (MANE Select); coding-DNA position 5069, T replaced by C.
Protein change: p.Val1690Ala; replaces valine 1690 with alanine.
Molecular consequence: missense variant.
Genome position (GRCh38, 1-based): chr1:10,374,438, T>C. VCF-style: chr1-10374438-T-C. GRCh37 (hg19) VCF-style: chr1-10434496-T-C.
Other names: c.5069T>C, p.Val1690Ala (NM_001365952.1); c.4931T>C, p.Val1644Ala (NM_015074.3); short protein forms V1644A, V1690A.
Identifiers: ClinVar variation 3226526 (VCV003226526.1), dbSNP rs2521978325, ClinGen allele CA338329696.